The following is an entry in ClinVar:

NM_003632.3(CNTNAP1):c.2329C>T (p.Arg777Cys)

Gene: CNTNAP1 (contactin associated protein 1; plus strand). Cytogenetic location: 17q21.2.
Variant type: single nucleotide variant.
Coding change: c.2329C>T on transcript NM_003632.3 (MANE Select); coding-DNA position 2329, C replaced by T.
Protein change: p.Arg777Cys; replaces arginine 777 with cysteine.
Molecular consequence: missense variant.
Genome position (GRCh38, 1-based): chr17:42,691,496, C>T. VCF-style: chr17-42691496-C-T. GRCh37 (hg19) VCF-style: chr17-40843514-C-T.
Other names: short protein forms R777C.
Identifiers: ClinVar variation 1988208 (VCV001988208.4), dbSNP rs1320893924, ClinGen allele CA399647276.

ClinVar aggregate classification (germline): Uncertain significance (1 of 4 stars; one submission).

Allele frequency attached by ClinVar (database versions not stated): gnomAD exomes below 0.00001; gnomAD 0.00001.
gnomAD v4.1: 5 of 1,613,934 alleles (0.00031%); highest among the groups gnomAD compares: South Asian, 0.0011%; no homozygotes.

Submission:

Labcorp Genetics (formerly Invitae), Labcorp
Classification: Uncertain significance. Last evaluated: 2024-01-22. Review status: criteria provided, single submitter. Criteria: Invitae Variant Classification Sherloc (09022015). Collection method: clinical testing. Allele origin: germline.
Comment: This sequence change replaces arginine, which is basic and polar, with cysteine, which is neutral and slightly polar, at codon 777 of the CNTNAP1 protein (p.Arg777Cys). This variant is not present in population databases (gnomAD no frequency). This variant has not been reported in the literature in individuals affected with CNTNAP1-related conditions. ClinVar contains an entry for this variant (Variation ID: 1988208). An algorithm developed to predict the effect of missense changes on protein structure and function (PolyPhen-2) suggests that this variant is likely to be disruptive. Algorithms developed to predict the effect of sequence changes on RNA splicing suggest that this variant may disrupt the consensus splice site. In summary, the available evidence is currently insufficient to determine the role of this variant in disease. Therefore, it has been classified as a Variant of Uncertain Significance.